The following is an entry in ClinVar:

ClinVar aggregate classification (germline): Conflicting classifications of pathogenicity. Review status: criteria provided, conflicting classifications (1 of 4 stars). 5 submissions from 5 submitters: Uncertain significance (3); Likely benign (1). 1 of the submissions does not count toward it. Last evaluated 2025-10-02.

Conditions:
Inborn genetic diseases. Identifiers: MedGen C0950123, MeSH D030342.
Nemaline myopathy 2 (NEM2). Also called: Nemaline myopathy 2, autosomal recessive. Identifiers: MedGen C1850569, MONDO:0009725, OMIM 256030.

Allele frequency attached by ClinVar (database versions not stated): ExAC 0.00003; gnomAD exomes 0.00003 and 0.00006; TOPMed 0.00004; gnomAD 0.00005.
gnomAD v4.1: 99 of 1,612,588 alleles (0.0061%); highest among the groups gnomAD compares: Non-Finnish European, 0.0081%; no homozygotes.

Submissions (5):

Labcorp Genetics (formerly Invitae), Labcorp
Classification: Likely benign for Nemaline myopathy 2. Last evaluated: 2025-10-02. Review status: criteria provided, single submitter. Criteria: Invitae Variant Classification Sherloc (09022015). Collection method: clinical testing. Allele origin: germline.

Ambry Genetics
Classification: Uncertain significance for Inborn genetic diseases. Last evaluated: 2025-04-13. Review status: criteria provided, single submitter. Criteria: Ambry Variant Classification Scheme 2023. Collection method: clinical testing. Allele origin: germline.

Women's Health and Genetics/Laboratory Corporation of America, LabCorp
Classification: Uncertain significance. Last evaluated: 2024-03-13. Review status: criteria provided, single submitter. Criteria: LabCorp Variant Classification Summary - May 2015. Collection method: clinical testing. Allele origin: germline.
Comment: Variant summary: NEB c.10589A>T (p.Gln3530Leu) results in a non-conservative amino acid change in the encoded protein sequence. Four of five in-silico tools predict a damaging effect of the variant on protein function. The variant allele was found at a frequency of 3.2e-05 in 247480 control chromosomes. The available data on variant occurrences in the general population are insufficient to allow any conclusion about variant significance. To our knowledge, no occurrence of c.10589A>T in individuals affected with Nemaline Myopathy 2 and no experimental evidence demonstrating its impact on protein function have been reported. ClinVar contains an entry for this variant (Variation ID: 968438). Based on the evidence outlined above, the variant was classified as uncertain significance.

GeneDx
Classification: Uncertain significance. Last evaluated: 2021-06-19. Review status: criteria provided, single submitter. Criteria: GeneDx Variant Classification Process June 2021. Collection method: clinical testing. Allele origin: germline. Affected: yes.
Comment: Has not been previously published as pathogenic or benign to our knowledge; In silico analysis supports that this missense variant has a deleterious effect on protein structure/function; This variant is associated with the following publications: (PMID: 27535533, 26582918)

Natera, Inc.
Classification: Uncertain significance for Nemaline myopathy type 2. Last evaluated: 2020-01-17. Review status: no assertion criteria provided. Collection method: clinical testing. Allele origin: germline. Not counted in ClinVar's aggregate classification.

NM_001164508.2(NEB):c.10589A>T (p.Gln3530Leu)

Gene: NEB (nebulin; minus strand). Cytogenetic location: 2q23.3.
Variant type: single nucleotide variant.
Coding change: c.10589A>T on transcript NM_001164508.2 (MANE Select); coding-DNA position 10589, A replaced by T.
Protein change: p.Gln3530Leu; replaces glutamine 3530 with leucine.
Molecular consequence: missense variant.
Genome position (GRCh38, 1-based): chr2:151,619,734, T>A on the plus strand (A>T on the coding strand, the complement: NEB is on the minus strand). VCF-style: chr2-151619734-T-A. GRCh37 (hg19) VCF-style: chr2-152476248-T-A.
Other names: c.10589A>T, p.Gln3530Leu (NM_001164507.2, NM_001271208.2); c.9860A>T, p.Gln3287Leu (NM_004543.5); c.9860A>T (NM_004543.4); short protein forms Q3287L, Q3530L.
Identifiers: ClinVar variation 968438 (VCV000968438.17), dbSNP rs573693040, ClinGen allele CA1908982.